The following is an entry in ClinVar:

NM_001111125.3(IQSEC2):c.1882C>T (p.Pro628Ser)

Gene: IQSEC2 (IQ motif and Sec7 domain ArfGEF 2; minus strand). Cytogenetic location: Xp11.22.
Variant type: single nucleotide variant.
Coding change: c.1882C>T on transcript NM_001111125.3 (MANE Select); coding-DNA position 1882, C replaced by T.
Protein change: p.Pro628Ser; replaces proline 628 with serine.
Molecular consequence: missense variant.
Genome position (GRCh38, 1-based): chrX:53,250,694, G>A on the plus strand (C>T on the coding strand, the complement: IQSEC2 is on the minus strand). VCF-style: chrX-53250694-G-A. GRCh37 (hg19) VCF-style: chrX-53279876-G-A.
Other names: c.1882C>T, p.Pro628Ser (NM_001410736.1, NM_001441092.1); c.1384C>T, p.Pro462Ser (NM_001441093.1); c.1171C>T, p.Pro391Ser (NM_001441094.1, NM_001441095.1); c.1267C>T, p.Pro423Ser (NM_015075.2); short protein forms P391S, P423S, P462S, P628S.
Identifiers: ClinVar variation 5017108 (VCV005017108.2).

ClinVar aggregate classification (germline): Uncertain significance (1 of 4 stars; one submission).

Submission:

GeneDx
Classification: Uncertain significance. Last evaluated: 2026-10-24. Review status: criteria provided, single submitter. Criteria: GeneDx Variant Classification Process June 2021. Collection method: clinical testing. Allele origin: germline.
Comment: Not observed at significant frequency in large population cohorts (gnomAD); In silico analysis supports that this missense variant has a deleterious effect on protein structure/function; Has not been previously published as pathogenic or benign to our knowledge